The following is an entry in ClinVar:

ClinVar aggregate classification (germline): Uncertain significance. Review status: criteria provided, multiple submitters, no conflicts (2 of 4 stars). 2 submissions from 2 submitters: Uncertain significance (2). Last evaluated 2026-05-28.

Conditions:
Hereditary cancer-predisposing syndrome. Also called: Neoplastic Syndromes, Hereditary; Tumor predisposition; Hereditary Cancer Syndrome; Hereditary neoplastic syndrome. Identifiers: Orphanet 140162, MedGen C0027672, MeSH D009386, MONDO:0015356.

Submissions (2):

Ambry Genetics
Classification: Uncertain significance for Hereditary cancer-predisposing syndrome. Last evaluated: 2026-05-28. Review status: criteria provided, single submitter. Criteria: Ambry Variant Classification Scheme 2023. Collection method: clinical testing. Allele origin: germline.
Comment: The p.K906N variant (also known as c.2718G>T), located in coding exon 23 of the TSC2 gene, results from a G to T substitution at nucleotide position 2718. The lysine at codon 906 is replaced by asparagine, an amino acid with similar properties. This amino acid position is conserved. In addition, the in silico prediction for this alteration is inconclusive. Based on the available evidence, the clinical significance of this variant remains unclear.

GeneDx
Classification: Uncertain significance. Last evaluated: 2024-02-26. Review status: criteria provided, single submitter. Criteria: GeneDx Variant Classification Process June 2021. Collection method: clinical testing. Allele origin: germline. Affected: yes.
Comment: Not observed at significant frequency in large population cohorts (gnomAD); In silico analysis supports that this missense variant has a deleterious effect on protein structure/function; Has not been previously published as pathogenic or benign to our knowledge

NM_000548.5(TSC2):c.2718G>T (p.Lys906Asn)

Gene: TSC2 (TSC complex subunit 2; plus strand). Cytogenetic location: 16p13.3.
Variant type: single nucleotide variant.
Coding change: c.2718G>T on transcript NM_000548.5 (MANE Select); coding-DNA position 2718, G replaced by T.
Protein change: p.Lys906Asn; replaces lysine 906 with asparagine.
Molecular consequence: missense variant. On other transcripts: non-coding transcript variant (5).
Genome position (GRCh38, 1-based): chr16:2,076,146, G>T. VCF-style: chr16-2076146-G-T. GRCh37 (hg19) VCF-style: chr16-2126147-G-T.
Other names: c.2718G>T, p.Lys906Asn (NM_001406663.1, NM_001406664.1, NM_001406665.1 and 6 more transcripts); c.2808G>T, p.Lys936Asn (NM_001406667.1, NM_001406668.1); c.2607G>T, p.Lys869Asn (NM_001406670.1, NM_001318827.2, NM_001406678.1); c.2706G>T, p.Lys902Asn (NM_001406671.1, NM_001406673.1); c.2571G>T, p.Lys857Asn (NM_001406675.1, NM_001406676.1, NM_001318829.2 and 1 more transcripts); c.2118G>T, p.Lys706Asn (NM_001406686.1, NM_001406687.1, NM_001406688.1 and 6 more transcripts); c.1374G>T, p.Lys458Asn (NM_001406689.1, NM_001406690.1, NM_001406691.1 and 6 more transcripts); c.2751G>T, p.Lys917Asn (NM_001318832.2); and 3 more; short protein forms K372N, K458N, K706N, K752N, K857N, K869N, K887N, K902N.
Identifiers: ClinVar variation 3369743 (VCV003369743.2).